The following is an entry in ClinVar:

ClinVar aggregate classification (germline): Uncertain significance (1 of 4 stars; one submission).

Conditions:
REST-related disorder. Also called: REST-related condition.

Submission:

PreventionGenetics, part of Exact Sciences
Classification: Uncertain significance for REST-related condition. Last evaluated: 2026-08-10. Review status: criteria provided, single submitter. Criteria: ACMG Guidelines, 2015. Collection method: clinical testing. Allele origin: germline.
Comment: The REST c.2026G>A variant is predicted to result in the amino acid substitution p.Val676Met. To our knowledge, this variant has not been reported in the literature or in a large population database (gnomAD), indicating this variant is rare. At the time of reporting this variant is absent in ClinVar. At the moment, the clinical significance of this variant is uncertain due to the absence of conclusive functional and genetic evidence.

NM_005612.5(REST):c.2026G>A (p.Val676Met)

Gene: REST (RE1 silencing transcription factor; plus strand). Cytogenetic location: 4q12.
Variant type: single nucleotide variant.
Coding change: c.2026G>A on transcript NM_005612.5 (MANE Select); coding-DNA position 2026, G replaced by A.
Protein change: p.Val676Met; replaces valine 676 with methionine.
Molecular consequence: missense variant.
Genome position (GRCh38, 1-based): chr4:56,930,884, G>A. VCF-style: chr4-56930884-G-A. GRCh37 (hg19) VCF-style: chr4-57797050-G-A.
Other names: c.2026G>A, p.Val676Met (NM_001193508.2, NM_001363453.3); c.1942G>A, p.Val648Met (NM_001440532.1, NM_001440533.1); short protein forms V648M, V676M.
Identifiers: ClinVar variation 4982572 (VCV004982572.1).
Genomic context (GRCh38, chr4:56,930,884, plus strand): 5'-GTGGTTCAGGAGGGGCCTGCTCAGAAGGAGCTGCTGCCTCCCGTGGAGCCTGCTCAGATG[G>A]TGGGTGCCCAAATTGTACTTGCTCACATGGAGCTGCCTCCTCCCATGGAGACTGCTCAGA-3'
Protein context (NP_005603.3, residues 666-686): LLPPVEPAQM[Val676Met]GAQIVLAHME